The following is an entry in ClinVar:

ClinVar aggregate classification (germline): Uncertain significance (1 of 4 stars; one submission).

gnomAD v4.1: 10 of 1,613,966 alleles (0.00062%); highest among the groups gnomAD compares: African/African-American, 0.0013%; no homozygotes.

Submission:

GeneDx
Classification: Uncertain significance. Last evaluated: 2019-09-27. Review status: criteria provided, single submitter. Criteria: GeneDx Variant Classification Process June 2021. Collection method: clinical testing. Allele origin: germline. Affected: yes.
Comment: Not observed at a significant frequency in large population cohorts (Lek et al., 2016); In silico analysis, which includes protein predictors and evolutionary conservation, supports that this variant does not alter protein structure/function; Has not been previously published as pathogenic or benign to our knowledge; This variant is associated with the following publications: (PMID: 31209962, 31144778)

NM_001170629.2(CHD8):c.5348C>G (p.Ala1783Gly)

Gene: CHD8 (chromodomain helicase DNA binding protein 8; minus strand). Cytogenetic location: 14q11.2.
Variant type: single nucleotide variant.
Coding change: c.5348C>G on transcript NM_001170629.2 (MANE Select); coding-DNA position 5348, C replaced by G.
Protein change: p.Ala1783Gly; replaces alanine 1783 with glycine.
Molecular consequence: missense variant.
Genome position (GRCh38, 1-based): chr14:21,394,954, G>C on the plus strand (C>G on the coding strand, the complement: CHD8 is on the minus strand). VCF-style: chr14-21394954-G-C. GRCh37 (hg19) VCF-style: chr14-21863113-G-C.
Other names: c.4511C>G, p.Ala1504Gly (NM_020920.4); short protein forms A1504G, A1783G.
Identifiers: ClinVar variation 1308739 (VCV001308739.2), dbSNP rs751773278, ClinGen allele CA388883965.